The following is an entry in ClinVar:

NM_001276345.2(TNNT2):c.836A>G (p.Asn279Ser)

Gene: TNNT2 (troponin T2, cardiac type; minus strand). Cytogenetic location: 1q32.1.
Variant type: single nucleotide variant.
Coding change: c.836A>G on transcript NM_001276345.2 (MANE Select); coding-DNA position 836, A replaced by G.
Protein change: p.Asn279Ser; replaces asparagine 279 with serine.
Molecular consequence: missense variant.
Genome position (GRCh38, 1-based): chr1:201,359,638, T>C on the plus strand (A>G on the coding strand, the complement: TNNT2 is on the minus strand). VCF-style: chr1-201359638-T-C. GRCh37 (hg19) VCF-style: chr1-201328766-T-C.
Other names: c.827A>G, p.Asn276Ser (NM_000364.4); c.806A>G, p.Asn269Ser (NM_001001430.3, NM_001276347.2); c.797A>G, p.Asn266Ser (NM_001001431.3); c.788A>G, p.Asn263Ser (NM_001001432.3); c.707A>G, p.Asn236Ser (NM_001276346.2); short protein forms N236S, N266S, N269S, N276S, N263S, N279S.
Identifiers: ClinVar variation 1352980 (VCV001352980.8), dbSNP rs2102217035, ClinGen allele CA344202380.

ClinVar aggregate classification (germline): Uncertain significance (1 of 4 stars; one submission).

Conditions:
Dilated cardiomyopathy 1D. Identifiers: Orphanet 154, Orphanet 54260, MedGen C1832243, MONDO:0011095, OMIM 601494.
Cardiomyopathy, familial restrictive, 3. Identifiers: Orphanet 75249, MedGen C2676271, MONDO:0012900, OMIM 612422.
Hypertrophic cardiomyopathy 2. Also called: TNNT2-Related Familial Hypertrophic Cardiomyopathy. Identifiers: MedGen C1861864, MONDO:0007266, OMIM 115195.

Submission:

Labcorp Genetics (formerly Invitae), Labcorp
Classification: Uncertain significance for Cardiomyopathy, familial restrictive, 3; Hypertrophic cardiomyopathy 2; Dilated cardiomyopathy 1D. Last evaluated: 2022-03-04. Review status: criteria provided, single submitter. Criteria: Invitae Variant Classification Sherloc (09022015). Collection method: clinical testing. Allele origin: germline.
Comment: This sequence change replaces asparagine, which is neutral and polar, with serine, which is neutral and polar, at codon 269 of the TNNT2 protein (p.Asn269Ser). This missense change has been observed in individual(s) with clinical features of hypertrophic cardiomyopathy (Invitae). This variant is not present in population databases (gnomAD no frequency). Algorithms developed to predict the effect of missense changes on protein structure and function (SIFT, PolyPhen-2, Align-GVGD) all suggest that this variant is likely to be tolerated. In summary, the available evidence is currently insufficient to determine the role of this variant in disease. Therefore, it has been classified as a Variant of Uncertain Significance.